The following is an entry in ClinVar:

NM_182961.4(SYNE1):c.25246+3G>A

Gene: SYNE1 (spectrin repeat containing nuclear envelope protein 1; minus strand). Cytogenetic location: 6q25.2.
Variant type: single nucleotide variant.
Coding change: c.25246+3G>A on transcript NM_182961.4 (MANE Select); 3 bases into the intron after coding-DNA position 25246, G replaced by A.
Molecular consequence: intron variant.
Genome position (GRCh38, 1-based): chr6:152,141,200, C>T on the plus strand (G>A on the coding strand, the complement: SYNE1 is on the minus strand). VCF-style: chr6-152141200-C-T. GRCh37 (hg19) VCF-style: chr6-152462335-C-T.
Other names: c.25102+3G>A (NM_033071.5); c.1852+3G>A (NM_001347701.2); c.1780+3G>A (NM_001347702.2).
Identifiers: ClinVar variation 440319 (VCV000440319.11), dbSNP rs765849365, ClinGen allele CA4052890.

ClinVar aggregate classification (germline): Uncertain significance. Review status: criteria provided, multiple submitters, no conflicts (2 of 4 stars). 2 submissions from 2 submitters: Uncertain significance (2). Last evaluated 2021-10-27.

Conditions:
Emery-Dreifuss muscular dystrophy 4, autosomal dominant (EDMD4). Also called: EMERY-DREIFUSS MUSCULAR DYSTROPHY 4 WITH VARIABLE FEATURES. Identifiers: Orphanet 261, MedGen C2751807, MONDO:0013071, OMIM 612998.
Autosomal recessive ataxia, Beauce type. Also called: Spinocerebellar ataxia, autosomal recessive 8; ATAXIA, RECESSIVE, OF BEAUCE; SYNE1-Related Autosomal Recessive Cerebellar Ataxia; SYNE1 Deficiency. Identifiers: Orphanet 88644, MedGen C1853116, MONDO:0012549, OMIM 610743.

Allele frequency attached by ClinVar (database versions not stated): gnomAD 0.00001; TOPMed 0.00001; gnomAD exomes 0.00002 and 0.00005; ExAC 0.00005.
gnomAD v4.1: 26 of 1,614,044 alleles (0.0016%); highest among the groups gnomAD compares: Admixed American, 0.015%; no homozygotes.

Submissions (2):

Labcorp Genetics (formerly Invitae), Labcorp
Classification: Uncertain significance for Emery-Dreifuss muscular dystrophy 4, autosomal dominant; Autosomal recessive ataxia, Beauce type. Last evaluated: 2021-10-27. Review status: criteria provided, single submitter. Criteria: Invitae Variant Classification Sherloc (09022015). Collection method: clinical testing. Allele origin: germline.
Comment: This sequence change falls in intron 139 of the SYNE1 gene. It does not directly change the encoded amino acid sequence of the SYNE1 protein. It affects a nucleotide within the consensus splice site. This variant is present in population databases (rs765849365, gnomAD 0.03%). This variant has not been reported in the literature in individuals affected with SYNE1-related conditions. ClinVar contains an entry for this variant (Variation ID: 440319). Variants that disrupt the consensus splice site are a relatively common cause of aberrant splicing (PMID: 17576681, 9536098). Algorithms developed to predict the effect of sequence changes on RNA splicing suggest that this variant is not likely to affect RNA splicing. In summary, the available evidence is currently insufficient to determine the role of this variant in disease. Therefore, it has been classified as a Variant of Uncertain Significance.

ARUP Laboratories, Molecular Genetics and Genomics, ARUP Laboratories
Classification: Uncertain significance. Last evaluated: 2017-05-26. Review status: criteria provided, single submitter. Criteria: ARUP Molecular Germline Variant Investigation Process. Collection method: clinical testing. Allele origin: germline.

Literature cited by the submitters: PubMed 17576681 (cited by Labcorp Genetics (formerly Invitae), Labcorp); PubMed 9536098 (cited by Labcorp Genetics (formerly Invitae), Labcorp).